The following is an entry in ClinVar:

NM_000232.5(SGCB):c.-10_13del (p.Met1fs)

Genes: SGCB (sarcoglycan beta; minus strand), LOC129992585 (ATAC-STARR-seq lymphoblastoid silent region 15421; plus strand). Cytogenetic location: 4q12.
Variant type: Deletion.
Coding change: c.-10_13del on transcript NM_000232.5 (MANE Select); 10 bases upstream of the start codon through coding-DNA position 13, 23 bases deleted (GCGCGGGAAGATGGCGGCAGCGG).
Protein change: p.Met1fs; shifts the reading frame from methionine 1.
Molecular consequence: frameshift variant, initiator codon variant.
Genome position (GRCh38, 1-based): chr4:52,038,247-52,038,269, CCGCTGCCGCCATCTTCCCGCGC deleted on the plus strand (GCGCGGGAAGATGGCGGCAGCGG on the coding strand, the reverse complement: SGCB is on the minus strand); deleting any 23 consecutive bases within chr4:52,038,247-52,038,273 gives the same sequence; the c. name uses the placement nearest the transcript's 3' end. VCF-style (leftmost placement, unchanged base first): chr4-52038246-GCCGCTGCCGCCATCTTCCCGCGC-G. GRCh37 (hg19) VCF-style: chr4-52904412-GCCGCTGCCGCCATCTTCCCGCGC-G.
Other names: short protein forms M1fs.
Identifiers: ClinVar variation 1391801 (VCV001391801.9), dbSNP rs2109380910, ClinGen allele CA2573137768.

ClinVar aggregate classification (germline): Pathogenic (1 of 4 stars; one submission).

Conditions:
Autosomal recessive limb-girdle muscular dystrophy type 2E (LGMDR4). Also called: MUSCULAR DYSTROPHY, LIMB-GIRDLE, AUTOSOMAL RECESSIVE 4. Identifiers: Orphanet 119, MedGen C1858593, MONDO:0011423, OMIM 604286. Disease mechanism: Affects gamma-sarcoglycan and also disrupts the integrity of the entire sarcoglycan complex..

Submission:

Labcorp Genetics (formerly Invitae), Labcorp
Classification: Pathogenic for Autosomal recessive limb-girdle muscular dystrophy type 2E. Last evaluated: 2021-05-18. Review status: criteria provided, single submitter. Criteria: Invitae Variant Classification Sherloc (09022015). Collection method: clinical testing. Allele origin: germline.
Comment: For these reasons, this variant has been classified as Pathogenic. Disruption of the initiator codon has been observed in individual(s) with limb-girdle muscular dystrophy (PMID: 12566530, 15938573, 25135358, 25862795) The frequency data for this variant in the population databases is considered unreliable, as metrics indicate insufficient coverage at this position in the ExAC database. This sequence change affects the initiator methionine of the SGCB mRNA. The next in-frame methionine is located at codon 22.

Literature cited by the submitters: PubMed 12566530; PubMed 15938573; PubMed 25135358; PubMed 25862795.